The following is an entry in ClinVar:

NM_206933.4(USH2A):c.1580G>T (p.Cys527Phe)

Gene: USH2A (usherin; minus strand). Cytogenetic location: 1q41.
Variant type: single nucleotide variant.
Coding change: c.1580G>T on transcript NM_206933.4 (MANE Select); coding-DNA position 1580, G replaced by T.
Protein change: p.Cys527Phe; replaces cysteine 527 with phenylalanine.
Molecular consequence: missense variant.
Genome position (GRCh38, 1-based): chr1:216,321,947, C>A on the plus strand (G>T on the coding strand, the complement: USH2A is on the minus strand). VCF-style: chr1-216321947-C-A. GRCh37 (hg19) VCF-style: chr1-216495289-C-A.
Other names: c.1580G>T, p.Cys527Phe (NM_007123.6); c.1580G>T (NM_206933.2); short protein forms C527F.
Identifiers: ClinVar variation 872099 (VCV000872099.46), dbSNP rs755735339, ClinGen allele CA344907956.

ClinVar aggregate classification (germline): Uncertain significance. Review status: criteria provided, multiple submitters, no conflicts (2 of 4 stars). 5 submissions from 4 submitters: Uncertain significance (4). 1 of the submissions does not count toward it. Last evaluated 2023-11-04.

Conditions:
Retinitis pigmentosa 39 (RP39). Identifiers: Orphanet 791, MedGen C3151138, MONDO:0013436, OMIM 613809.
Usher syndrome type 2A. Also called: RETINAL DISEASE IN USHER SYNDROME TYPE IIA, MODIFIER OF; USHER SYNDROME, TYPE IIA. Identifiers: Orphanet 231178, Orphanet 886, MedGen C1848634, MONDO:0010169, OMIM 276901.

gnomAD v4.1: 1 of 1,613,774 alleles (0.000062%); highest among the groups gnomAD compares: Non-Finnish European, 0.000085%; no homozygotes.

Submissions (5):

Genome-Nilou Lab
Classification: Uncertain significance for Retinitis pigmentosa 39. Last evaluated: 2023-11-04. Review status: criteria provided, single submitter. Criteria: ACMG Guidelines, 2015. Collection method: clinical testing. Allele origin: germline. Affected: no.

Genome-Nilou Lab
Classification: Uncertain significance for Usher syndrome type 2A. Last evaluated: 2023-11-04. Review status: criteria provided, single submitter. Criteria: ACMG Guidelines, 2015. Collection method: clinical testing. Allele origin: germline. Affected: no.

Labcorp Genetics (formerly Invitae), Labcorp
Classification: Uncertain significance. Last evaluated: 2022-06-04. Review status: criteria provided, single submitter. Criteria: Invitae Variant Classification Sherloc (09022015). Collection method: clinical testing. Allele origin: germline.
Comment: This missense change has been observed in individual(s) with clinical features of USH2A-related conditions (Invitae). This variant is present in population databases (no rsID available, gnomAD 0.0009%). This sequence change replaces cysteine, which is neutral and slightly polar, with phenylalanine, which is neutral and non-polar, at codon 527 of the USH2A protein (p.Cys527Phe). ClinVar contains an entry for this variant (Variation ID: 872099). In summary, the available evidence is currently insufficient to determine the role of this variant in disease. Therefore, it has been classified as a Variant of Uncertain Significance. This variant disrupts the p.Cys527 amino acid residue in USH2A. Other variant(s) that disrupt this residue have been observed in individuals with USH2A-related conditions (Invitae), which suggests that this may be a clinically significant amino acid residue. Algorithms developed to predict the effect of missense changes on protein structure and function are either unavailable or do not agree on the potential impact of this missense change (SIFT: "Deleterious"; PolyPhen-2: "Probably Damaging"; Align-GVGD: "Class C0").

CeGaT Center for Human Genetics Tuebingen
Classification: Uncertain significance. Last evaluated: 2019-11-01. Review status: criteria provided, single submitter. Criteria: CeGaT Center For Human Genetics Tuebingen Variant Classification Criteria Version 2. Collection method: clinical testing. Allele origin: germline. Affected: yes. Observed: 1 variant allele.

Natera, Inc.
Classification: Uncertain significance for Usher syndrome type 2A. Last evaluated: 2025-02-03. Review status: no assertion criteria provided. Collection method: clinical testing. Allele origin: germline. Not counted in ClinVar's aggregate classification.